The following is an entry in ClinVar:

ClinVar aggregate classification (germline): Uncertain significance (1 of 4 stars; one submission).

Allele frequency attached by ClinVar (database versions not stated): TOPMed below 0.00001; gnomAD 0.00001; ExAC 0.00003.
gnomAD v4.1: 9 of 1,613,256 alleles (0.00056%); highest among the groups gnomAD compares: South Asian, 0.0033%; no homozygotes.

Submission:

Labcorp Genetics (formerly Invitae), Labcorp
Classification: Uncertain significance. Last evaluated: 2023-05-23. Review status: criteria provided, single submitter. Criteria: Invitae Variant Classification Sherloc (09022015). Collection method: clinical testing. Allele origin: germline.
Comment: Advanced modeling of protein sequence and biophysical properties (such as structural, functional, and spatial information, amino acid conservation, physicochemical variation, residue mobility, and thermodynamic stability) performed at Invitae indicates that this missense variant is expected to disrupt SLC26A5 protein function. In summary, the available evidence is currently insufficient to determine the role of this variant in disease. Therefore, it has been classified as a Variant of Uncertain Significance. ClinVar contains an entry for this variant (Variation ID: 2159446). This missense change has been observed in individual(s) with clinical features of SLC26A5-related conditions (PMID: 30622556). This variant is present in population databases (rs773544931, gnomAD 0.01%). This sequence change replaces serine, which is neutral and polar, with leucine, which is neutral and non-polar, at codon 441 of the SLC26A5 protein (p.Ser441Leu).

Literature cited by the submitters: PubMed 30622556.

NM_198999.3(SLC26A5):c.1322C>T (p.Ser441Leu)

Gene: SLC26A5 (solute carrier family 26 member 5; minus strand). Cytogenetic location: 7q22.1.
Variant type: single nucleotide variant.
Coding change: c.1322C>T on transcript NM_198999.3 (MANE Select); coding-DNA position 1322, C replaced by T.
Protein change: p.Ser441Leu; replaces serine 441 with leucine.
Molecular consequence: missense variant. On other transcripts: non-coding transcript variant (1), intron variant (3).
Genome position (GRCh38, 1-based): chr7:103,389,414, G>A on the plus strand (C>T on the coding strand, the complement: SLC26A5 is on the minus strand). VCF-style: chr7-103389414-G-A. GRCh37 (hg19) VCF-style: chr7-103029861-G-A.
Other names: c.1322C>T, p.Ser441Leu (NM_206883.3, NM_206884.3); c.971+8518C>T (NM_206885.3); c.1312-300C>T (NM_001321787.2, NM_001167962.2); short protein forms S441L.
Identifiers: ClinVar variation 2159446 (VCV002159446.3), dbSNP rs773544931, ClinGen allele CA4419535.